The following is an entry in ClinVar:

NM_004463.3(FGD1):c.1555C>T (p.Arg519Cys)

Gene: FGD1 (FYVE, RhoGEF and PH domain containing 1; minus strand). Cytogenetic location: Xp11.22.
Variant type: single nucleotide variant.
Coding change: c.1555C>T on transcript NM_004463.3 (MANE Select); coding-DNA position 1555, C replaced by T.
Protein change: p.Arg519Cys; replaces arginine 519 with cysteine.
Molecular consequence: missense variant.
Genome position (GRCh38, 1-based): chrX:54,465,532, G>A on the plus strand (C>T on the coding strand, the complement: FGD1 is on the minus strand). VCF-style: chrX-54465532-G-A. GRCh37 (hg19) VCF-style: chrX-54491965-G-A.
Other names: short protein forms R519C.
Identifiers: ClinVar variation 520730 (VCV000520730.9), dbSNP rs1557189252, ClinGen allele CA413243852.

ClinVar aggregate classification (germline): Likely pathogenic. Review status: criteria provided, multiple submitters, no conflicts (2 of 4 stars). 4 submissions from 4 submitters: Likely pathogenic (2). 2 of the submissions do not count toward it. Last evaluated 2023-07-11.

Conditions:
Inborn genetic diseases. Identifiers: MedGen C0950123, MeSH D030342.
FGD1-related disorder. Also called: FGD1-related condition; FGD1-related disorders.
Aarskog syndrome (AAS). Also called: Aarskog-Scott syndrome, X-linked; Aarskog Scott syndrome; Aarskog disease; FGDY; FGD1-Related Faciogenital Dysplasia (Aarskog-Scott Syndrome). Identifiers: Orphanet 915, MedGen C0175701, MONDO:0010589, OMIM 305400.

Submissions (4):

Pittsburgh Clinical Genomics Laboratory, University of Pittsburgh Medical Center
Classification: Likely pathogenic for Aarskog syndrome. Last evaluated: 2023-07-11. Review status: criteria provided, single submitter. Criteria: ACMG Guidelines, 2015. Collection method: clinical testing. Allele origin: germline. Inheritance: X-linked recessive inheritance. Affected: yes.
Comment: This sequence variant is a single nucleotide substitution (C>T) at position 1555 of the coding sequence of the FGD1 gene that results in an arginine to cysteine amino acid change at residue 519 of the FGD1-encoded FYVE, RhoGEF and PH domain containing 1 protein. The 519 residue falls in the DH domain (PMID: 7954831) which plays a critical role in FGD1-mediated sigl transduction. This is a previously reported variant (ClinVar 520730) that has been observed individuals affected by Aarskog syndrome in an unpublished report (see PMID: 11940089 and ClinVar Accession: SCV000740980.3). This variant is absent from the gnomAD population database (0 of approximately 180,000 alleles). Multiple bioinformatic tools predict that this arginine to cysteine amino acid change would be damaging, and the arginine residue at this position is highly conserved across the vertebrate species examined. Studies examining the functiol consequence of this variant have not been published, to our knowledge. Based upon the evidence, we consider this a likely pathogenic variant. ACMG Criteria: PM1, PM2, PP3

Ambry Genetics
Classification: Likely pathogenic for Inborn genetic diseases. Last evaluated: 2018-01-05. Review status: criteria provided, single submitter. Criteria: Ambry exome assertion method (8-5-2015). Collection method: clinical testing. Allele origin: germline. Affected: yes. Observed: 1 variant allele.

Istanbul Faculty of Medicine, Istanbul University
Classification: Pathogenic for Aarskog syndrome. Last evaluated: 2024-10-02. Review status: no assertion criteria provided. Collection method: clinical testing. Allele origin: germline. Affected: yes. Observed: 3 variant alleles. Not counted in ClinVar's aggregate classification.
Comment: PM3, PM1, PP2, PM2, PM5, PP3

PreventionGenetics, part of Exact Sciences
Classification: Likely pathogenic for FGD1-related condition. Last evaluated: 2024-02-09. Review status: no assertion criteria provided. Collection method: clinical testing. Allele origin: germline. Not counted in ClinVar's aggregate classification.
Comment: The FGD1 c.1555C>T variant is predicted to result in the amino acid substitution p.Arg519Cys. To our knowledge, this variant has not been reported in the literature or in a gnomAD, indicating this variant is rare. This variant was reported in a patient affected with Aarskog-Scott syndrome (P02.009). This variant is also classified as likely pathogenic by an outside clinical laboratory. At PreventionGenetics, we have also detected this variant in four affected male patients undergoing FGD1 testing. Therefore, we classify this variant as likely pathogenic.

Literature cited by the submitters: PubMed 7954831 (cited by Pittsburgh Clinical Genomics Laboratory, University of Pittsburgh Medical Center); PubMed 11940089 (cited by Pittsburgh Clinical Genomics Laboratory, University of Pittsburgh Medical Center); PubMed 000740980 (cited by Pittsburgh Clinical Genomics Laboratory, University of Pittsburgh Medical Center).